The following is an entry in ClinVar:

NM_001291867.2(NHS):c.2806A>G (p.Lys936Glu)

Gene: NHS (NHS actin remodeling regulator; plus strand). Cytogenetic location: Xp22.13.
Variant type: single nucleotide variant.
Coding change: c.2806A>G on transcript NM_001291867.2 (MANE Select); coding-DNA position 2806, A replaced by G.
Protein change: p.Lys936Glu; replaces lysine 936 with glutamic acid.
Molecular consequence: missense variant.
Genome position (GRCh38, 1-based): chrX:17,726,912, A>G. VCF-style: chrX-17726912-A-G. GRCh37 (hg19) VCF-style: chrX-17745032-A-G.
Other names: c.2275A>G, p.Lys759Glu (NM_001136024.4); c.2212A>G, p.Lys738Glu (NM_001291868.2); c.2743A>G, p.Lys915Glu (NM_198270.4); short protein forms K738E, K915E, K759E, K936E.
Identifiers: ClinVar variation 2135249 (VCV002135249.4), dbSNP rs2519938375, ClinGen allele CA412360528.

ClinVar aggregate classification (germline): Uncertain significance (1 of 4 stars; one submission).

Conditions:
Nance-Horan syndrome (NHS). Identifiers: Orphanet 627, MedGen C0796085, MONDO:0010545, OMIM 302350.

Submission:

Labcorp Genetics (formerly Invitae), Labcorp
Classification: Uncertain significance for Nance-Horan syndrome. Last evaluated: 2024-10-17. Review status: criteria provided, single submitter. Criteria: Invitae Variant Classification Sherloc (09022015). Collection method: clinical testing. Allele origin: germline.
Comment: This sequence change replaces lysine, which is basic and polar, with glutamic acid, which is acidic and polar, at codon 915 of the NHS protein (p.Lys915Glu). This variant is not present in population databases (gnomAD no frequency). This variant has not been reported in the literature in individuals affected with NHS-related conditions. ClinVar contains an entry for this variant (Variation ID: 2135249). Invitae Evidence Modeling of protein sequence and biophysical properties (such as structural, functional, and spatial information, amino acid conservation, physicochemical variation, residue mobility, and thermodynamic stability) indicates that this missense variant is expected to disrupt NHS protein function with a positive predictive value of 80%. In summary, the available evidence is currently insufficient to determine the role of this variant in disease. Therefore, it has been classified as a Variant of Uncertain Significance.